The following is an entry in ClinVar:

NM_000186.4(CFH):c.1933dup (p.Thr645fs)

Gene: CFH (complement factor H; plus strand). Cytogenetic location: 1q31.3.
Variant type: Duplication.
Coding change: c.1933dup on transcript NM_000186.4 (MANE Select); coding-DNA position 1933, one base duplicated (A; older notation c.1933dupA).
Protein change: p.Thr645fs; shifts the reading frame from threonine 645.
Molecular consequence: frameshift variant.
Genome position (GRCh38, 1-based): chr1:196,726,529, A duplicated; the last of 6 consecutive A bases (chr1:196,726,524-196,726,529); duplicating any one gives the same sequence. VCF-style (leftmost placement, unchanged base first): chr1-196726523-G-GA. GRCh37 (hg19) VCF-style: chr1-196695653-G-GA.
Other names: short protein forms T645fs.
Identifiers: ClinVar variation 4291661 (VCV004291661.1).

ClinVar aggregate classification (germline): Pathogenic, low penetrance (1 of 4 stars; one submission).

Conditions:
Atypical hemolytic-uremic syndrome. Identifiers: Orphanet 2134, MedGen C2931788, MONDO:0016244.

Submission:

Genomenon, Inc
Classification: Pathogenic, low penetrance for Atypical hemolytic-uremic syndrome. Last evaluated: 2025-10-02. Review status: criteria provided, single submitter. Criteria: Genomenon Sequence Variant Interpretation Standards - Updated. Collection method: curation. Allele origin: germline. Affected: yes.
Comment: CFH p.Thr645AsnfsTer9 (c.1933dup) is a frameshift variant that results in the production of a truncated protein which is predicted to undergo nonsense-mediated mRNA decay. This variant has been observed in at least one proband affected with atypical hemolytic-uremic syndrome (PMID:25593925). It is absent or not present at a significant frequency in gnomAD. In conclusion, we classify CFH p.Thr645AsnfsTer9 (c.1933dup) as a pathogenic, low penetrance variant.

Literature cited by the submitters: PubMed 25593925.